The following is an entry in ClinVar:

NM_000352.6(ABCC8):c.81_82insA (p.Val28fs)

Gene: ABCC8 (ATP binding cassette subfamily C member 8; minus strand). Cytogenetic location: 11p15.1.
Variant type: Insertion.
Coding change: c.81_82insA on transcript NM_000352.6 (MANE Select); coding-DNA positions 81 to 82, A inserted.
Protein change: p.Val28fs; shifts the reading frame from valine 28.
Molecular consequence: frameshift variant. On other transcripts: non-coding transcript variant (1).
Genome position: GRCh38 VCF-style: chr11-17476695-C-CT. GRCh37 (hg19) VCF-style: chr11-17498242-C-CT.
Other names: c.81_82insA, p.Val28fs (NM_001287174.3, NM_001351295.2, NM_001351296.2 and 1 more transcripts); short protein forms V28fs.
Identifiers: ClinVar variation 5010718 (VCV005010718.1).

ClinVar aggregate classification (germline): Pathogenic (1 of 4 stars; one submission).

Conditions:
Hyperinsulinemic hypoglycemia, familial, 1 (HHF1). Also called: HYPERINSULINISM, FAMILIAL, WITH PANCREATIC NESIDIOBLASTOSIS; HYPOGLYCEMIA, HYPERINSULINEMIC, OF INFANCY; NESIDIOBLASTOSIS OF PANCREAS; Persistent Hyperinsulinemia Hypoglycemia of Infancy; Persistent hyperinsulinemic hypoglycemia of infancy. Identifiers: Orphanet 276575, Orphanet 276598, MedGen C2931832, MONDO:0009734, OMIM 256450.

Submission:

Myriad Genetics, Inc.
Classification: Pathogenic for Hyperinsulinemic hypoglycemia, familial, 1. Last evaluated: 2024-07-25. Review status: criteria provided, single submitter. Criteria: Myriad Autosomal Dominant, Autosomal Recessive and X-Linked Classification Criteria (2023). Collection method: clinical testing. Allele origin: unknown.
Comment: NM_000352.3(ABCC8):c.81_82insA(V28Sfs*61) is expected to be pathogenic in the context of familial hyperinsulinism, ABCC8-related. This variant is predicted to lead to an abnormal or absent protein product due to the creation of a premature termination codon in ABCC8, a gene where loss-of-function variants are known to be pathogenic. Please note: this variant was assessed in the context of healthy population screening.